The following is an entry in ClinVar:

ClinVar aggregate classification (germline): Uncertain significance (1 of 4 stars; one submission).

Conditions:
Hypertrophic cardiomyopathy. Also called: HYPERTROPHIC MYOCARDIOPATHY. Identifiers: Orphanet 217569, MedGen C0007194, MeSH D002312, MONDO:0005045, HP:0001639.

gnomAD v4.1: 1 of 1,612,828 alleles (0.000062%); highest among the groups gnomAD compares: Non-Finnish European, 0.000085%; no homozygotes.

Submission:

All of Us Research Program, National Institutes of Health
Classification: Uncertain significance for Hypertrophic cardiomyopathy. Last evaluated: 2024-03-24. Review status: criteria provided, single submitter. Criteria: ACMG Guidelines, 2015. Collection method: clinical testing. Allele origin: germline. Inheritance: Autosomal dominant inheritance. Observed: 1 variant allele, 1 heterozygote.
Comment: This missense variant replaces valine with leucine at codon 465 of the MYBPC3 protein. Computational prediction is inconclusive regarding the impact of this variant on protein structure and function (internally defined REVEL score threshold 0.5 < inconclusive < 0.7, PMID: 27666373). To our knowledge, functional studies have not been reported for this variant. This variant has not been reported in individuals affected with MYBPC3-related disorders in the literature. This variant has not been identified in the general population by the Genome Aggregation Database (gnomAD). The available evidence is insufficient to determine the role of this variant in disease conclusively. Therefore, this variant is classified as a Variant of Uncertain Significance.

This study involves interpretation of variants in research participants for the purpose of population health screening. Participant phenotype was not available at the time of variant classification. Additional details can be found in publication PMID: 35346344, PMCID: PMC8962531

NM_000256.3(MYBPC3):c.1393G>C (p.Val465Leu)

Gene: MYBPC3 (myosin binding protein C3; minus strand). Cytogenetic location: 11p11.2.
Variant type: single nucleotide variant.
Coding change: c.1393G>C on transcript NM_000256.3 (MANE Select); coding-DNA position 1393, G replaced by C.
Protein change: p.Val465Leu; replaces valine 465 with leucine.
Molecular consequence: missense variant.
Genome position (GRCh38, 1-based): chr11:47,342,894, C>G on the plus strand (G>C on the coding strand, the complement: MYBPC3 is on the minus strand). VCF-style: chr11-47342894-C-G. GRCh37 (hg19) VCF-style: chr11-47364445-C-G.
Other names: short protein forms V465L.
Identifiers: ClinVar variation 3387131 (VCV003387131.1).